The following is an entry in ClinVar:

NM_015047.3(EMC1):c.47T>A (p.Leu16Gln)

Gene: EMC1 (ER membrane protein complex subunit 1; minus strand). Cytogenetic location: 1p36.13.
Variant type: single nucleotide variant.
Coding change: c.47T>A on transcript NM_015047.3 (MANE Select); coding-DNA position 47, T replaced by A.
Protein change: p.Leu16Gln; replaces leucine 16 with glutamine.
Molecular consequence: missense variant.
Genome position (GRCh38, 1-based): chr1:19,251,463, A>T on the plus strand (T>A on the coding strand, the complement: EMC1 is on the minus strand). VCF-style: chr1-19251463-A-T. GRCh37 (hg19) VCF-style: chr1-19577957-A-T.
Other names: c.47T>A, p.Leu16Gln (NM_001271427.2, NM_001271428.2, NM_001271429.2 and 2 more transcripts); short protein forms L16Q.
Identifiers: ClinVar variation 2811245 (VCV002811245.3), dbSNP rs2093659079, ClinGen allele CA338775783.
Genomic context (GRCh38, chr1:19,251,463, plus strand): 5'-ACACGTACGCACCAATCAAACTTGCCCACTTGGTCTTCGTAGACCGCGGCCGCAGGAATC[A>T]GCAGCGTAGCCCAAAGCCAGAAACGAGAAGCCCACTCAGCCGCCATGATGCGAGCGCATG-3'
Protein context (NP_055862.1, residues 6-26): ASRFWLWATL[Leu16Gln]IPAAAVYEDQ

ClinVar aggregate classification (germline): Uncertain significance (1 of 4 stars; one submission).

Allele frequency attached by ClinVar (database versions not stated): gnomAD exomes below 0.00001; TOPMed below 0.00001.
gnomAD v4.1: 1 of 1,614,184 alleles (0.000062%); highest among the groups gnomAD compares: South Asian, 0.0011%; no homozygotes.

Submission:

Labcorp Genetics (formerly Invitae), Labcorp
Classification: Uncertain significance. Last evaluated: 2023-03-02. Review status: criteria provided, single submitter. Criteria: Invitae Variant Classification Sherloc (09022015). Collection method: clinical testing. Allele origin: germline.
Comment: This variant has not been reported in the literature in individuals affected with EMC1-related conditions. This variant is not present in population databases (gnomAD no frequency). This sequence change replaces leucine, which is neutral and non-polar, with glutamine, which is neutral and polar, at codon 16 of the EMC1 protein (p.Leu16Gln). Advanced modeling of protein sequence and biophysical properties (such as structural, functional, and spatial information, amino acid conservation, physicochemical variation, residue mobility, and thermodynamic stability) performed at Invitae indicates that this missense variant is expected to disrupt EMC1 protein function. In summary, the available evidence is currently insufficient to determine the role of this variant in disease. Therefore, it has been classified as a Variant of Uncertain Significance.